The following is an entry in ClinVar:

ClinVar aggregate classification (germline): Uncertain significance (1 of 4 stars; one submission).

Conditions:
Cardiovascular phenotype. Identifiers: MedGen CN230736.

Submission:

Ambry Genetics
Classification: Uncertain significance for Cardiovascular phenotype. Last evaluated: 2022-11-29. Review status: criteria provided, single submitter. Criteria: Ambry Variant Classification Scheme 2023. Collection method: clinical testing. Allele origin: germline.
Comment: The p.C185Y variant (also known as c.554G>A), located in coding exon 1 of the KCNJ5 gene, results from a G to A substitution at nucleotide position 554. The cysteine at codon 185 is replaced by tyrosine, an amino acid with highly dissimilar properties. This amino acid position is highly conserved in available vertebrate species. In addition, this alteration is predicted to be deleterious by in silico analysis. Since supporting evidence is limited at this time, the clinical significance of this alteration remains unclear.

NM_000890.5(KCNJ5):c.554G>A (p.Cys185Tyr)

Gene: KCNJ5 (potassium inwardly rectifying channel subfamily J member 5; plus strand). Cytogenetic location: 11q24.3.
Variant type: single nucleotide variant.
Coding change: c.554G>A on transcript NM_000890.5 (MANE Select); coding-DNA position 554, G replaced by A.
Protein change: p.Cys185Tyr; replaces cysteine 185 with tyrosine.
Molecular consequence: missense variant.
Genome position (GRCh38, 1-based): chr11:128,911,827, G>A. VCF-style: chr11-128911827-G-A. GRCh37 (hg19) VCF-style: chr11-128781722-G-A.
Other names: c.554G>A, p.Cys185Tyr (NM_001354169.2); short protein forms C185Y.
Identifiers: ClinVar variation 2449074 (VCV002449074.2), dbSNP rs760375676, ClinGen allele CA383249016.
Genomic context (GRCh38, chr11:128,911,827, plus strand): 5'-TTATACTCCTCTTGGTCCAGGCCATCCTGGGCTCCATCGTCAATGCCTTCATGGTGGGGT[G>A]CATGTTTGTCAAGATCAGCCAGCCCAAGAAGAGAGCGGAGACCCTCATGTTTTCCAACAA-3'
Protein context (NP_000881.3, residues 175-195): GSIVNAFMVG[Cys185Tyr]MFVKISQPKK